The following is an entry in ClinVar:

NM_032193.4(RNASEH2C):c.401T>A (p.Leu134Gln)

Gene: RNASEH2C (ribonuclease H2 subunit C; minus strand). Cytogenetic location: 11q13.1.
Variant type: single nucleotide variant.
Coding change: c.401T>A on transcript NM_032193.4 (MANE Select); coding-DNA position 401, T replaced by A.
Protein change: p.Leu134Gln; replaces leucine 134 with glutamine.
Molecular consequence: missense variant.
Genome position (GRCh38, 1-based): chr11:65,720,112, A>T on the plus strand (T>A on the coding strand, the complement: RNASEH2C is on the minus strand). VCF-style: chr11-65720112-A-T. GRCh37 (hg19) VCF-style: chr11-65487583-A-T.
Other names: short protein forms L134Q.
Identifiers: ClinVar variation 4847659 (VCV004847659.1).

ClinVar aggregate classification (germline): Uncertain significance (1 of 4 stars; one submission).

Submission:

Women's Health and Genetics/Laboratory Corporation of America, LabCorp
Classification: Uncertain significance. Last evaluated: 2026-03-26. Review status: criteria provided, single submitter. Criteria: LabCorp Variant Classification Summary - May 2015. Collection method: clinical testing. Allele origin: germline.
Comment: Variant summary: RNASEH2C c.401T>A (p.Leu134Gln) results in a non-conservative amino acid change in the encoded protein sequence. Algorithms developed to predict the effect of missense changes on protein structure and function all suggest that this variant is likely to be disruptive. The variant was absent in 251414 control chromosomes. The available data on variant occurrences in the general population are insufficient to allow any conclusion about variant significance. c.401T>A has been observed in an individuals affected with Aicardi-Goutieres syndrome 3 (Wang_2023). These data do not allow any conclusion about variant significance. To our knowledge, no experimental evidence demonstrating an impact on protein function has been reported. The following publication have been ascertained in the context of this evaluation (PMID: 37092250). No submitters have cited clinical-significance assessments for this variant to ClinVar. Based on the evidence outlined above, the variant was classified as uncertain significance.

Literature cited by the submitters: PubMed 37092250.